The following is an entry in ClinVar:

ClinVar aggregate classification (germline): Likely benign (1 of 4 stars; one submission).

Conditions:
Desbuquois dysplasia 1 (DBQD1). Also called: MICROMELIC DWARFISM WITH VERTEBRAL AND METAPHYSEAL ABNORMALITIES AND ADVANCED CARPOTARSAL OSSIFICATION; DESBUQUOIS DYSPLASIA 1, KIM VARIANT. Identifiers: Orphanet 1425, MedGen C4012146, MONDO:0009629, OMIM 251450.

Allele frequency attached by ClinVar (database versions not stated): 1000 Genomes Project 30x 0.00047; 1000 Genomes Project 0.00060; gnomAD exomes 0.00114; TOPMed 0.00120; gnomAD 0.00139 and 0.00143.
gnomAD v4.1: 279 of 216,720 alleles (0.13%); highest among the groups gnomAD compares: Non-Finnish European, 0.21%; no homozygotes.

Submission:

Illumina Laboratory Services, Illumina
Classification: Likely benign for Desbuquois dysplasia 1. Last evaluated: 2018-01-12. Review status: criteria provided, single submitter. Criteria: ICSL Variant Classification Criteria 13 December 2019. Collection method: clinical testing. Allele origin: germline.
Comment: This variant was observed in the ICSL laboratory as part of a predisposition screen in an ostensibly healthy population. It had not been previously curated by ICSL or reported in the Human Gene Mutation Database (HGMD: prior to June 1st, 2018), and was therefore a candidate for classification through an automated scoring system. Utilizing variant allele frequency, disease prevalence and penetrance estimates, and inheritance mode, an automated score was calculated to assess if this variant is too frequent to cause the disease. Based on the score and internal cut-off values, a variant classified as likely benign is not then subjected to further curation. The score for this variant resulted in a classification of likely benign for this disease.

NM_001159773.2(CANT1):c.*1794T>G

Gene: CANT1 (calcium activated nucleotidase 1; minus strand). Cytogenetic location: 17q25.3.
Variant type: single nucleotide variant.
Coding change: c.*1794T>G on transcript NM_001159773.2 (MANE Select); 1794 bases downstream of the stop codon, T replaced by G.
Molecular consequence: 3 prime UTR variant.
Genome position (GRCh38, 1-based): chr17:78,991,756, A>C on the plus strand (T>G on the coding strand, the complement: CANT1 is on the minus strand). VCF-style: chr17-78991756-A-C. GRCh37 (hg19) VCF-style: chr17-76987838-A-C.
Other names: c.*1794T>G (NM_001159772.2, NM_138793.4).
Identifiers: ClinVar variation 325665 (VCV000325665.5), dbSNP rs192546263, ClinGen allele CA10650334.